The following is an entry in ClinVar:

NM_005529.7(HSPG2):c.10784C>A (p.Pro3595His)

Gene: HSPG2 (heparan sulfate proteoglycan 2; minus strand). Cytogenetic location: 1p36.12.
Variant type: single nucleotide variant.
Coding change: c.10784C>A on transcript NM_005529.7 (MANE Select); coding-DNA position 10784, C replaced by A.
Protein change: p.Pro3595His; replaces proline 3595 with histidine.
Molecular consequence: missense variant.
Genome position (GRCh38, 1-based): chr1:21,833,862, G>T on the plus strand (C>A on the coding strand, the complement: HSPG2 is on the minus strand). VCF-style: chr1-21833862-G-T. GRCh37 (hg19) VCF-style: chr1-22160355-G-T.
Other names: c.10787C>A, p.Pro3596His (NM_001291860.2); short protein forms P3595H, P3596H.
Identifiers: ClinVar variation 4272739 (VCV004272739.2).
Genomic context (GRCh38, chr1:21,833,862, plus strand): 5'-TCTCCAGCACTTACCTTGCTCCAGCTGATGTCAGGAGTGGGGTAGCCTGAGGCTATGCAG[G>T]GGAAGACAGCTGCAGAACCAGCAGGCACACGGACTTCTTGGGGCATTGAGATCTGGGGCA-3'
Protein context (NP_005520.4, residues 3585-3605): RVPAGSAAVF[Pro3595His]CIASGYPTPD

ClinVar aggregate classification (germline): Uncertain significance. Review status: criteria provided, multiple submitters, no conflicts (2 of 4 stars). 2 submissions from 2 submitters: Uncertain significance (2). Last evaluated 2025-07-15.

Conditions:
Inborn genetic diseases. Identifiers: MedGen C0950123, MeSH D030342.

gnomAD v4.1: 1 of 1,605,342 alleles (0.000062%); no homozygotes.

Submissions (2):

Ambry Genetics
Classification: Uncertain significance for Inborn genetic diseases. Last evaluated: 2025-07-15. Review status: criteria provided, single submitter. Criteria: Ambry Variant Classification Scheme 2023. Collection method: clinical testing. Allele origin: germline.

Labcorp Genetics (formerly Invitae), Labcorp
Classification: Uncertain significance. Last evaluated: 2025-05-22. Review status: criteria provided, single submitter. Criteria: Invitae Variant Classification Sherloc (09022015). Collection method: clinical testing. Allele origin: germline.
Comment: This sequence change replaces proline, which is neutral and non-polar, with histidine, which is basic and polar, at codon 3595 of the HSPG2 protein (p.Pro3595His). The frequency data for this variant in the population databases is considered unreliable, as metrics indicate poor data quality at this position in the gnomAD database. This variant has not been reported in the literature in individuals affected with HSPG2-related conditions. An algorithm developed to predict the effect of missense changes on protein structure and function (PolyPhen-2) suggests that this variant is likely to be disruptive. In summary, the available evidence is currently insufficient to determine the role of this variant in disease. Therefore, it has been classified as a Variant of Uncertain Significance.